The following is an entry in ClinVar:

NM_023110.3(FGFR1):c.2284T>G (p.Ser762Ala)

Gene: FGFR1 (fibroblast growth factor receptor 1; minus strand). Cytogenetic location: 8p11.23.
Variant type: single nucleotide variant.
Coding change: c.2284T>G on transcript NM_023110.3 (MANE Select); coding-DNA position 2284, T replaced by G.
Protein change: p.Ser762Ala; replaces serine 762 with alanine.
Molecular consequence: missense variant.
Genome position (GRCh38, 1-based): chr8:38,413,926, A>C on the plus strand (T>G on the coding strand, the complement: FGFR1 is on the minus strand). VCF-style: chr8-38413926-A-C. GRCh37 (hg19) VCF-style: chr8-38271444-A-C.
Other names: c.2278T>G, p.Ser760Ala (NM_001174063.2, NM_001174065.2, NM_001354367.2 and 1 more transcripts); c.2254T>G, p.Ser752Ala (NM_001174064.2); c.2017T>G, p.Ser673Ala (NM_001174066.2, NM_023105.3); c.2377T>G, p.Ser793Ala (NM_001174067.2); c.2005T>G, p.Ser669Ala (NM_001354368.2); c.2272T>G, p.Ser758Ala (NM_001354369.2, NM_001410922.1); c.2011T>G, p.Ser671Ala (NM_001354370.2, NM_023106.3); short protein forms S669A, S671A, S673A, S752A, S758A, S760A, S762A, S793A.
Identifiers: ClinVar variation 3752940 (VCV003752940.2).

ClinVar aggregate classification (germline): Uncertain significance (1 of 4 stars; one submission).

Conditions:
Pfeiffer syndrome (ACS5). Also called: ACS V. Identifiers: Orphanet 710, MedGen C0220658, MONDO:0007043, OMIM 101600.
Hypogonadotropic hypogonadism 2 with or without anosmia (HH2). Also called: FGFR1-Related GnRH Deficiency (Kallmann Syndrome 2); HYPOGONADOTROPIC HYPOGONADISM 2 WITH OR WITHOUT ANOSMIA, SUSCEPTIBILITY TO; HYPOGONADOTROPIC HYPOGONADISM 2 WITHOUT ANOSMIA; HYPOGONADOTROPIC HYPOGONADISM 2 WITHOUT ANOSMIA, SUSCEPTIBILITY TO. Identifiers: Orphanet 478, MedGen C1563720, MONDO:0007844, OMIM 147950. Disease mechanism: loss of function.

gnomAD v4.1: 1 of 1,613,900 alleles (0.000062%); highest among the groups gnomAD compares: Admixed American, 0.0017%; no homozygotes.

Submission:

Labcorp Genetics (formerly Invitae), Labcorp
Classification: Uncertain significance for Pfeiffer syndrome; Hypogonadotropic hypogonadism 2 with or without anosmia. Last evaluated: 2024-10-21. Review status: criteria provided, single submitter. Criteria: Invitae Variant Classification Sherloc (09022015). Collection method: clinical testing. Allele origin: germline.
Comment: This sequence change replaces serine, which is neutral and polar, with alanine, which is neutral and non-polar, at codon 762 of the FGFR1 protein (p.Ser762Ala). This variant is not present in population databases (gnomAD no frequency). This variant has not been reported in the literature in individuals affected with FGFR1-related conditions. Invitae Evidence Modeling of protein sequence and biophysical properties (such as structural, functional, and spatial information, amino acid conservation, physicochemical variation, residue mobility, and thermodynamic stability) indicates that this missense variant is not expected to disrupt FGFR1 protein function with a negative predictive value of 80%. In summary, the available evidence is currently insufficient to determine the role of this variant in disease. Therefore, it has been classified as a Variant of Uncertain Significance.